The following is an entry in ClinVar:

NM_005228.5(EGFR):c.2320G>C (p.Val774Leu)

Genes: EGFR (epidermal growth factor receptor; plus strand), EGFR-AS1 (EGFR antisense RNA 1; minus strand). Cytogenetic location: 7p11.2.
Variant type: single nucleotide variant.
Coding change: c.2320G>C on transcript NM_005228.5 (MANE Select); coding-DNA position 2320, G replaced by C.
Protein change: p.Val774Leu; replaces valine 774 with leucine.
Molecular consequence: missense variant. On other transcripts: non-coding transcript variant (1).
Genome position (GRCh38, 1-based): chr7:55,181,329, G>C. VCF-style: chr7-55181329-G-C. GRCh37 (hg19) VCF-style: chr7-55249022-G-C.
Other names: c.2185G>C, p.Val729Leu (NM_001346897.2, NM_001346899.2); c.2320G>C, p.Val774Leu (NM_001346898.2); c.2161G>C, p.Val721Leu (NM_001346900.2); c.1519G>C, p.Val507Leu (NM_001346941.2); short protein forms V729L, V774L, V721L, V507L.
Identifiers: ClinVar variation 1949613 (VCV001949613.6), dbSNP rs567477136, ClinGen allele CA158928432.

ClinVar aggregate classification (germline): Uncertain significance. Review status: criteria provided, multiple submitters, no conflicts (2 of 4 stars). 2 submissions from 2 submitters: Uncertain significance (2). Last evaluated 2026-01-19.

Conditions:
EGFR-related lung cancer (EGFR). Identifiers: MedGen CN130014.
Hereditary cancer-predisposing syndrome. Also called: Hereditary neoplastic syndrome; Tumor predisposition; Hereditary Cancer Syndrome; Neoplastic Syndromes, Hereditary. Identifiers: Orphanet 140162, MedGen C0027672, MeSH D009386, MONDO:0015356.

Allele frequency attached by ClinVar (database versions not stated): TOPMed 0.00001; gnomAD 0.00004; 1000 Genomes Project 30x 0.00016; 1000 Genomes Project 0.00020.
gnomAD v4.1: 7 of 1,614,156 alleles (0.00043%); highest among the groups gnomAD compares: African/African-American, 0.0093%; no homozygotes.

Submissions (2):

Labcorp Genetics (formerly Invitae), Labcorp
Classification: Uncertain significance for EGFR-related lung cancer. Last evaluated: 2026-01-19. Review status: criteria provided, single submitter. Criteria: Invitae Variant Classification Sherloc (09022015). Collection method: clinical testing. Allele origin: germline.
Comment: This sequence change replaces valine, which is neutral and non-polar, with leucine, which is neutral and non-polar, at codon 774 of the EGFR protein (p.Val774Leu). This variant is present in population databases (rs567477136, gnomAD 0.02%). This variant has not been reported in the literature in individuals affected with EGFR-related conditions. ClinVar contains an entry for this variant (Variation ID: 1949613). Invitae Evidence Modeling of protein sequence and biophysical properties (such as structural, functional, and spatial information, amino acid conservation, physicochemical variation, residue mobility, and thermodynamic stability) indicates that this missense variant is not expected to disrupt EGFR protein function with a negative predictive value of 80%. In summary, the available evidence is currently insufficient to determine the role of this variant in disease. Therefore, it has been classified as a Variant of Uncertain Significance.

Ambry Genetics
Classification: Uncertain significance for Hereditary cancer-predisposing syndrome. Last evaluated: 2025-01-15. Review status: criteria provided, single submitter. Criteria: Ambry Variant Classification Scheme 2023. Collection method: clinical testing. Allele origin: germline.
Comment: The p.V774L variant (also known as c.2320G>C), located in coding exon 20 of the EGFR gene, results from a G to C substitution at nucleotide position 2320. The valine at codon 774 is replaced by leucine, an amino acid with highly similar properties. This amino acid position is highly conserved in available vertebrate species. In addition, the in silico prediction for this alteration is inconclusive. Based on the available evidence, the clinical significance of this variant remains unclear.